The following is an entry in ClinVar:

NM_194279.4(ISCA2):c.125G>A (p.Ser42Asn)

Gene: ISCA2 (iron-sulfur cluster assembly 2; plus strand). Cytogenetic location: 14q24.3.
Variant type: single nucleotide variant.
Coding change: c.125G>A on transcript NM_194279.4 (MANE Select); coding-DNA position 125, G replaced by A.
Protein change: p.Ser42Asn; replaces serine 42 with asparagine.
Molecular consequence: missense variant.
Genome position (GRCh38, 1-based): chr14:74,494,103, G>A. VCF-style: chr14-74494103-G-A. GRCh37 (hg19) VCF-style: chr14-74960806-G-A.
Other names: c.125G>A, p.Ser42Asn (NM_001272007.2); short protein forms S42N.
Identifiers: ClinVar variation 2070017 (VCV002070017.2), dbSNP rs749217402, ClinGen allele CA7268267.

ClinVar aggregate classification (germline): Uncertain significance (1 of 4 stars; one submission).

Allele frequency attached by ClinVar (database versions not stated): gnomAD 0.00001; ExAC 0.00009.
gnomAD v4.1: 29 of 1,573,472 alleles (0.0018%); highest among the groups gnomAD compares: Non-Finnish European, 0.0024%; no homozygotes.

Submission:

Labcorp Genetics (formerly Invitae), Labcorp
Classification: Uncertain significance. Last evaluated: 2022-05-25. Review status: criteria provided, single submitter. Criteria: Invitae Variant Classification Sherloc (09022015). Collection method: clinical testing. Allele origin: germline.
Comment: In summary, the available evidence is currently insufficient to determine the role of this variant in disease. Therefore, it has been classified as a Variant of Uncertain Significance. Algorithms developed to predict the effect of missense changes on protein structure and function output the following: SIFT: "Tolerated"; PolyPhen-2: "Benign"; Align-GVGD: "Class C0". The asparagine amino acid residue is found in multiple mammalian species, which suggests that this missense change does not adversely affect protein function. This variant has not been reported in the literature in individuals affected with ISCA2-related conditions. This variant is present in population databases (rs749217402, gnomAD 0.007%). This sequence change replaces serine, which is neutral and polar, with asparagine, which is neutral and polar, at codon 42 of the ISCA2 protein (p.Ser42Asn).